The following is an entry in ClinVar:

NC_000004.12:g.85289128_85511228dup

Genes: ARHGAP24 (Rho GTPase activating protein 24; plus strand), LOC126807102 (MED14-independent group 3 enhancer GRCh37_chr4:86241730-86242929; plus strand), LOC126807103 (CDK7 strongly-dependent group 2 enhancer GRCh37_chr4:86322472-86323671; plus strand), LOC129992790 (ATAC-STARR-seq lymphoblastoid active region 21690; plus strand). Cytogenetic location: 4q21.23.
Variant type: Duplication.
Identifiers: ClinVar variation 156924 (VCV000156924.2).

ClinVar aggregate classification (germline): not provided (0 of 4 stars; one submission).

Conditions:
Preeclampsia. Identifiers: Orphanet 275555, MedGen C0032914, MONDO:0005081, HP:0100602.

Submission:

Institute of Molecular and Cell Biology, University of Tartu
No classification provided. Condition: Preeclampsia. Review status: no classification provided. Collection method: case-control. Allele origin: unknown. Affected: yes. Study: Kasak2014.
Comment: The study aimed to determine the contribution of copy number variants in the genetic etiology of normal and complicated pregnancies. The samples represented (i) maternal blood DNA drawn from healthy pregnant women during 1st or 2nd trimester and (ii) maternal and paternal blood DNA drawn at term pregnancy cases representing normal and complicated gestations (severe preeclampsia, PE; gestational diabetes, GD; small-for-gestational age newborn, SGA; large-for-gestational age newborn, LGA). We performed CNV calling based on genome-wide genotyping dataset (Illumina HumanOmniExpress-24-v1 BeadChip) by applying three algorithms, QuantiSNP, GADA (Genome Alteration Detection Algorithm) and CNstream in parallel. The acquired CNV calls were merged with HD-CNV (Hotspot Detector for Copy Number Variants) program and only the CNVs predicted by at least two programs, were considered in subsequent analysis.

Literature cited by the submitters: PubMed 25666259.